The following is an entry in ClinVar:

ClinVar aggregate classification (germline): Uncertain significance. Review status: criteria provided, multiple submitters, no conflicts (2 of 4 stars). 8 submissions from 8 submitters: Uncertain significance (6). 2 of the submissions do not count toward it. Last evaluated 2024-09-06.

Conditions:
Hypertrophic cardiomyopathy 4. Also called: Familial hypertrophic cardiomyopathy 4. Identifiers: MedGen C1861862, MONDO:0007268, OMIM 115197.
Left ventricular noncompaction 10 (LVNC10). Identifiers: Orphanet 154, Orphanet 54260, MedGen C3715165, MONDO:0014163, OMIM 615396.
Cardiovascular phenotype. Identifiers: MedGen CN230736.
Cardiomyopathy (CMYO). Also called: Cardiomyopathies. Identifiers: Orphanet 167848, MedGen C0878544, MONDO:0004994, HP:0001638. Inheritance: Various modes of inheritance.
Hypertrophic cardiomyopathy. Also called: HYPERTROPHIC MYOCARDIOPATHY. Identifiers: Orphanet 217569, MedGen C0007194, MeSH D002312, MONDO:0005045, HP:0001639.

gnomAD v4.1: 6 of 1,613,096 alleles (0.00037%); highest among the groups gnomAD compares: Non-Finnish European, 0.00051%; no homozygotes.

Submissions (8):

GeneDx
Classification: Uncertain significance. Last evaluated: 2024-09-06. Review status: criteria provided, single submitter. Criteria: GeneDx Variant Classification Process June 2021. Collection method: clinical testing. Allele origin: germline. Affected: yes.
Comment: Not observed at significant frequency in large population cohorts (gnomAD); In silico analysis supports that this missense variant has a deleterious effect on protein structure/function; This variant is associated with the following publications: (PMID: 33782553)

Labcorp Genetics (formerly Invitae), Labcorp
Classification: Uncertain significance for Hypertrophic cardiomyopathy. Last evaluated: 2024-08-04. Review status: criteria provided, single submitter. Criteria: Invitae Variant Classification Sherloc (09022015). Collection method: clinical testing. Allele origin: germline.
Comment: This sequence change replaces alanine, which is neutral and non-polar, with glycine, which is neutral and non-polar, at codon 848 of the MYBPC3 protein (p.Ala848Gly). This variant is present in population databases (rs730880569, gnomAD 0.002%). This missense change has been observed in individual(s) with hypertrophic cardiomyopathy (PMID: 33782553). ClinVar contains an entry for this variant (Variation ID: 180975). An algorithm developed to predict the effect of missense changes on protein structure and function (PolyPhen-2) suggests that this variant is likely to be disruptive. This variant disrupts the p.Ala848 amino acid residue in MYBPC3. Other variant(s) that disrupt this residue have been determined to be pathogenic (PMID: 25740977, 28408708, 28416588; Invitae). This suggests that this residue is clinically significant, and that variants that disrupt this residue are likely to be disease-causing. In summary, the available evidence is currently insufficient to determine the role of this variant in disease. Therefore, it has been classified as a Variant of Uncertain Significance.

All of Us Research Program, National Institutes of Health
Classification: Uncertain significance for Hypertrophic cardiomyopathy. Last evaluated: 2023-10-02. Review status: criteria provided, single submitter. Criteria: ACMG Guidelines, 2015. Collection method: clinical testing. Allele origin: germline. Inheritance: Autosomal dominant inheritance. Observed: 1 variant allele, 1 heterozygote.
Comment: This missense variant replaces alanine with glycine at codon 848 of the MYBPC3 protein. Computational prediction suggests that this variant may have deleterious impact on protein structure and function (internally defined REVEL score threshold >= 0.7, PMID: 27666373). Splice site prediction tools suggest that this variant may not impact RNA splicing. To our knowledge, functional studies have not been performed for this variant. This variant has not been reported in individuals affected with cardiovascular disorders in the literature. This variant has been identified in 2/247484 chromosomes in the general population by the Genome Aggregation Database (gnomAD). The available evidence is insufficient to determine the role of this variant in disease conclusively. Therefore, this variant is classified as a Variant of Uncertain Significance.

This study involves interpretation of variants in research participants for the purpose of population health screening. Participant phenotype was not available at the time of variant classification. Additional details can be found in publication PMID: 35346344, PMCID: PMC8962531

Color Diagnostics, LLC DBA Color Health
Classification: Uncertain significance for Cardiomyopathy. Last evaluated: 2023-09-15. Review status: criteria provided, single submitter. Criteria: ACMG Guidelines, 2015. Collection method: clinical testing. Allele origin: germline.
Comment: This missense variant replaces alanine with glycine at codon 848 of the MYBPC3 protein. Computational prediction suggests that this variant may have a deleterious impact on protein structure and function (internally defined REVEL score threshold >= 0.7, PMID: 27666373). To our knowledge, functional studies have not been reported for this variant. This variant has been reported in one individual affected with hypertrophic cardiomyopathy (PMID: 30297972, 32841044, 33782553). This variant has been identified in 2/247484 chromosomes in the general population by the Genome Aggregation Database (gnomAD). The available evidence is insufficient to determine the role of this variant in disease conclusively. Therefore, this variant is classified as a Variant of Uncertain Significance.

Ambry Genetics
Classification: Uncertain significance for Cardiovascular phenotype. Last evaluated: 2023-08-08. Review status: criteria provided, single submitter. Criteria: Ambry Variant Classification Scheme 2023. Collection method: clinical testing. Allele origin: germline.
Comment: The p.A848G variant (also known as c.2543C>G), located in coding exon 25 of the MYBPC3 gene, results from a C to G substitution at nucleotide position 2543. The alanine at codon 848 is replaced by glycine, an amino acid with similar properties. This alteration has been reported in a hypertrophic cardiomyopathy (HCM) cohort (Helms AS et al. Circ Genom Precis Med, 2020 Oct;13:396-405). This amino acid position is highly conserved in available vertebrate species. In addition, this alteration is predicted to be deleterious by in silico analysis. Since supporting evidence is limited at this time, the clinical significance of this alteration remains unclear.

Fulgent Genetics
Classification: Uncertain significance for Hypertrophic cardiomyopathy 4; Left ventricular noncompaction 10. Last evaluated: 2021-12-27. Review status: criteria provided, single submitter. Criteria: ACMG Guidelines, 2015. Collection method: clinical testing. Allele origin: unknown.

Diagnostic Laboratory, Department of Genetics, University Medical Center Groningen
Classification: Uncertain significance. Review status: no assertion criteria provided. Collection method: clinical testing. Allele origin: germline. Affected: yes. Study: VKGL Data-share Consensus. Not counted in ClinVar's aggregate classification.

Joint Genome Diagnostic Labs from Nijmegen and Maastricht, Radboudumc and MUMC+
Classification: Uncertain significance. Review status: no assertion criteria provided. Collection method: clinical testing. Allele origin: germline. Affected: yes. Study: VKGL Data-share Consensus. Not counted in ClinVar's aggregate classification.

Literature cited by the submitters: PubMed 33782553 (cited by Labcorp Genetics (formerly Invitae), Labcorp and Color Diagnostics, LLC DBA Color Health); PubMed 25740977 (cited by Labcorp Genetics (formerly Invitae), Labcorp); PubMed 28408708 (cited by Labcorp Genetics (formerly Invitae), Labcorp); PubMed 28416588 (cited by Labcorp Genetics (formerly Invitae), Labcorp); PubMed 30297972 (cited by Color Diagnostics, LLC DBA Color Health); PubMed 32841044 (cited by Color Diagnostics, LLC DBA Color Health and Ambry Genetics).

NM_000256.3(MYBPC3):c.2543C>G (p.Ala848Gly)

Gene: MYBPC3 (myosin binding protein C3; minus strand). Cytogenetic location: 11p11.2.
Variant type: single nucleotide variant.
Coding change: c.2543C>G on transcript NM_000256.3 (MANE Select); coding-DNA position 2543, C replaced by G.
Protein change: p.Ala848Gly; replaces alanine 848 with glycine.
Molecular consequence: missense variant.
Genome position (GRCh38, 1-based): chr11:47,337,450, G>C on the plus strand (C>G on the coding strand, the complement: MYBPC3 is on the minus strand). VCF-style: chr11-47337450-G-C. GRCh37 (hg19) VCF-style: chr11-47359001-G-C.
Other names: p.A848G:GCG>GGG; c.2543C>G, p.Ala848Gly (LRG_386t1); short protein forms A848G.
Identifiers: ClinVar variation 180975 (VCV000180975.20), dbSNP rs730880569, ClinGen allele CA012577.